The following is an entry in ClinVar:

ClinVar aggregate classification (germline): Uncertain significance (1 of 4 stars; one submission).

Submission:

Women's Health and Genetics/Laboratory Corporation of America, LabCorp
Classification: Uncertain significance. Last evaluated: 2024-08-12. Review status: criteria provided, single submitter. Criteria: LabCorp Variant Classification Summary - May 2015. Collection method: clinical testing. Allele origin: germline.
Comment: Variant summary: CYBA c.159G>C (p.Glu53Asp) results in a conservative amino acid change in the encoded protein sequence. Four of five in-silico tools predict a damaging effect of the variant on protein function. The variant was absent in 245694 control chromosomes. The available data on variant occurrences in the general population are insufficient to allow any conclusion about variant significance. To our knowledge, no occurrence of c.159G>C in individuals affected with Chronic Granulomatous Disease and no experimental evidence demonstrating its impact on protein function have been reported. No submitters have cited clinical-significance assessments for this variant to ClinVar. Based on the evidence outlined above, the variant was classified as uncertain significance.

NM_000101.4(CYBA):c.159G>C (p.Glu53Asp)

Gene: CYBA (cytochrome b-245 alpha chain; minus strand). Cytogenetic location: 16q24.2.
Variant type: single nucleotide variant.
Coding change: c.159G>C on transcript NM_000101.4 (MANE Select); coding-DNA position 159, G replaced by C.
Protein change: p.Glu53Asp; replaces glutamic acid 53 with aspartic acid.
Molecular consequence: missense variant.
Genome position (GRCh38, 1-based): chr16:88,647,145, C>G on the plus strand (G>C on the coding strand, the complement: CYBA is on the minus strand). VCF-style: chr16-88647145-C-G. GRCh37 (hg19) VCF-style: chr16-88713553-C-G.
Other names: short protein forms E53D.
Identifiers: ClinVar variation 3366326 (VCV003366326.1).